The following is an entry in ClinVar:

NM_001111125.3(IQSEC2):c.823C>A (p.Pro275Thr)

Gene: IQSEC2 (IQ motif and Sec7 domain ArfGEF 2; minus strand). Cytogenetic location: Xp11.22.
Variant type: single nucleotide variant.
Coding change: c.823C>A on transcript NM_001111125.3 (MANE Select); coding-DNA position 823, C replaced by A.
Protein change: p.Pro275Thr; replaces proline 275 with threonine.
Molecular consequence: missense variant.
Genome position (GRCh38, 1-based): chrX:53,255,976, G>T on the plus strand (C>A on the coding strand, the complement: IQSEC2 is on the minus strand). VCF-style: chrX-53255976-G-T. GRCh37 (hg19) VCF-style: chrX-53285158-G-T.
Other names: c.823C>A, p.Pro275Thr (NM_001410736.1); c.208C>A, p.Pro70Thr (NM_015075.2); short protein forms P275T, P70T.
Identifiers: ClinVar variation 2635440 (VCV002635440.5), dbSNP rs782609666, ClinGen allele CA10420139.
Genomic context (GRCh38, chrX:53,255,976, plus strand): 5'-GCTGAGCCCAGGGAAGGCCCACTCCAGCAGGGGGGCCCCCCATGTGGCTGCTGGAGGGGG[G>T]CAGCTGGCTCAGCCGGTAGGGGGGTTGGCTCCCAGGACTATCAACCGCTGTGCTCAGGTC-3'
Protein context (NP_001104595.1, residues 265-285): SQPPYRLSQL[Pro275Thr]PSSSHMGGPP

ClinVar aggregate classification (germline): Conflicting classifications of pathogenicity. Review status: criteria provided, conflicting classifications (1 of 4 stars). 3 submissions from 3 submitters: Uncertain significance (2); Likely benign (1). Last evaluated 2025-10-10.

Conditions:
Intellectual developmental disorder, X-linked 1. Also called: Atkin Flaitz Patil Smith syndrome; MENTAL RETARDATION, X-LINKED 18; MENTAL RETARDATION, X-LINKED 78; Intellectual disability, X-linked 1. Identifiers: Orphanet 777, MedGen C2931498, MONDO:0010656, OMIM 309530.
Inborn genetic diseases. Identifiers: MedGen C0950123, MeSH D030342.
IQSEC2-related disorder. Also called: IQSEC2-related condition.

gnomAD v4.1: 4 of 1,191,571 alleles (0.00034%); highest among the groups gnomAD compares: South Asian, 0.0073%; no homozygotes.

Submissions (3):

Labcorp Genetics (formerly Invitae), Labcorp
Classification: Likely benign for Intellectual developmental disorder, X-linked 1. Last evaluated: 2025-10-10. Review status: criteria provided, single submitter. Criteria: Invitae Variant Classification Sherloc (09022015). Collection method: clinical testing. Allele origin: germline.

Ambry Genetics
Classification: Uncertain significance for Inborn genetic diseases. Last evaluated: 2025-10-07. Review status: criteria provided, single submitter. Criteria: Ambry Variant Classification Scheme 2023. Collection method: clinical testing. Allele origin: germline.
Comment: The c.823C>A (p.P275T) alteration is located in exon 3 (coding exon 3) of the IQSEC2 gene. This alteration results from a C to A substitution at nucleotide position 823, causing the proline (P) at amino acid position 275 to be replaced by a threonine (T). Based on data from gnomAD, the A allele has an overall frequency of 0.001% (1/143146) total alleles studied. The highest observed frequency was 0.006% (1/15892) of South Asian alleles. Based on insufficient or conflicting evidence, the clinical significance of this alteration remains unclear.

PreventionGenetics, part of Exact Sciences
Classification: Uncertain significance for IQSEC2-related condition. Last evaluated: 2022-12-15. Review status: criteria provided, single submitter. Criteria: ACMG Guidelines, 2015. Collection method: clinical testing. Allele origin: germline.
Comment: The IQSEC2 c.823C>A variant is predicted to result in the amino acid substitution p.Pro275Thr. To our knowledge, this variant has not been reported in the literature. This variant is reported in 0.0063% of alleles in individuals of South Asian descent in gnomAD. At this time, the clinical significance of this variant is uncertain due to the absence of conclusive functional and genetic evidence.